The following is an entry in ClinVar:

NM_001105206.3(LAMA4):c.1208T>G (p.Leu403Arg)

Gene: LAMA4 (laminin subunit alpha 4; minus strand). Cytogenetic location: 6q21.
Variant type: single nucleotide variant.
Coding change: c.1208T>G on transcript NM_001105206.3 (MANE Select); coding-DNA position 1208, T replaced by G.
Protein change: p.Leu403Arg; replaces leucine 403 with arginine.
Molecular consequence: missense variant.
Genome position (GRCh38, 1-based): chr6:112,175,462, A>C on the plus strand (T>G on the coding strand, the complement: LAMA4 is on the minus strand). VCF-style: chr6-112175462-A-C. GRCh37 (hg19) VCF-style: chr6-112496664-A-C.
Other names: c.1187T>G, p.Leu396Arg (NM_001105207.3, NM_002290.5); short protein forms L396R, L403R.
Identifiers: ClinVar variation 3708159 (VCV003708159.2).

ClinVar aggregate classification (germline): Uncertain significance (1 of 4 stars; one submission).

Conditions:
Dilated cardiomyopathy 1JJ (CMD1JJ). Identifiers: Orphanet 154, MedGen C3808935, MONDO:0014095, OMIM 615235.

Submission:

Labcorp Genetics (formerly Invitae), Labcorp
Classification: Uncertain significance for Dilated cardiomyopathy 1JJ. Last evaluated: 2024-03-11. Review status: criteria provided, single submitter. Criteria: Invitae Variant Classification Sherloc (09022015). Collection method: clinical testing. Allele origin: germline.
Comment: This sequence change replaces leucine, which is neutral and non-polar, with arginine, which is basic and polar, at codon 396 of the LAMA4 protein (p.Leu396Arg). This variant is not present in population databases (gnomAD no frequency). This variant has not been reported in the literature in individuals affected with LAMA4-related conditions. An algorithm developed to predict the effect of missense changes on protein structure and function (PolyPhen-2) suggests that this variant is likely to be tolerated. In summary, the available evidence is currently insufficient to determine the role of this variant in disease. Therefore, it has been classified as a Variant of Uncertain Significance.